The following is an entry in ClinVar:

ClinVar aggregate classification (germline): Conflicting classifications of pathogenicity. Review status: criteria provided, conflicting classifications (1 of 4 stars). 2 submissions from 2 submitters: Uncertain significance (1); Likely benign (1). Last evaluated 2023-03-01.

Conditions:
Intellectual developmental disorder, X-linked 72. Also called: Intellectual disability, X-linked 72. Identifiers: Orphanet 777, MedGen C1846038, MONDO:0010289, OMIM 300271.

Allele frequency attached by ClinVar (database versions not stated): 1000 Genomes Project 30x 0.00021; 1000 Genomes Project 0.00026; gnomAD exomes 0.00090; TOPMed 0.00083; gnomAD 0.00084.

Submissions (2):

CeGaT Center for Human Genetics Tuebingen
Classification: Likely benign. Last evaluated: 2023-03-01. Review status: criteria provided, single submitter. Criteria: CeGaT Center For Human Genetics Tuebingen Variant Classification Criteria Version 2. Collection method: clinical testing. Allele origin: germline. Affected: yes. Observed: 1 variant allele.
Comment: RAB39B: BS2

Illumina Laboratory Services, Illumina
Classification: Uncertain significance for Intellectual developmental disorder, X-linked 72. Last evaluated: 2018-01-12. Review status: criteria provided, single submitter. Criteria: ICSL Variant Classification Criteria 13 December 2019. Collection method: clinical testing. Allele origin: germline.

NM_171998.4(RAB39B):c.*339T>C

Gene: RAB39B (RAB39B, member RAS oncogene family; minus strand). Cytogenetic location: Xq28.
Variant type: single nucleotide variant.
Coding change: c.*339T>C on transcript NM_171998.4 (MANE Select); 339 bases downstream of the stop codon, T replaced by C.
Molecular consequence: 3 prime UTR variant.
Genome position (GRCh38, 1-based): chrX:155,260,464, A>G on the plus strand (T>C on the coding strand, the complement: RAB39B is on the minus strand). VCF-style: chrX-155260464-A-G. GRCh37 (hg19) VCF-style: chrX-154489749-A-G.
Identifiers: ClinVar variation 368143 (VCV000368143.29), dbSNP rs781919581, ClinGen allele CA10653874.